The following is an entry in ClinVar:

ClinVar aggregate classification (germline): Uncertain significance. Review status: criteria provided, multiple submitters, no conflicts (2 of 4 stars). 2 submissions from 2 submitters: Uncertain significance (2). Last evaluated 2021-06-08.

Conditions:
Hereditary cancer-predisposing syndrome. Also called: Tumor predisposition; Hereditary neoplastic syndrome; Neoplastic Syndromes, Hereditary; Hereditary Cancer Syndrome. Identifiers: Orphanet 140162, MedGen C0027672, MeSH D009386, MONDO:0015356.
Hereditary nonpolyposis colorectal neoplasms. Identifiers: MedGen C0009405, MeSH D003123.

Allele frequency attached by ClinVar (database versions not stated): TOPMed below 0.00001.

Submissions (2):

Labcorp Genetics (formerly Invitae), Labcorp
Classification: Uncertain significance for Hereditary nonpolyposis colorectal neoplasms. Last evaluated: 2021-06-08. Review status: criteria provided, single submitter. Criteria: Invitae Variant Classification Sherloc (09022015). Collection method: clinical testing. Allele origin: germline.
Comment: In summary, the available evidence is currently insufficient to determine the role of this variant in disease. Therefore, it has been classified as a Variant of Uncertain Significance. This sequence change replaces leucine with isoleucine at codon 811 of the MSH6 protein (p.Leu811Ile). The leucine residue is moderately conserved and there is a small physicochemical difference between leucine and isoleucine. This variant is not present in population databases (ExAC no frequency). Advanced modeling of protein sequence and biophysical properties (such as structural, functional, and spatial information, amino acid conservation, physicochemical variation, residue mobility, and thermodynamic stability) performed at Invitae indicates that this missense variant is not expected to disrupt MSH6 protein function. This variant has not been reported in the literature in individuals with MSH6-related conditions.

Ambry Genetics
Classification: Uncertain significance for Hereditary cancer-predisposing syndrome. Last evaluated: 2017-06-26. Review status: criteria provided, single submitter. Criteria: Ambry Variant Classification Scheme 2023. Collection method: clinical testing. Allele origin: germline.
Comment: The p.L811I variant (also known as c.2431C>A), located in coding exon 4 of the MSH6 gene, results from a C to A substitution at nucleotide position 2431. The leucine at codon 811 is replaced by isoleucine, an amino acid with highly similar properties. This amino acid position is well conserved in available vertebrate species. In addition, the in silico prediction for this alteration is inconclusive. In addition, the CoDP in silico tool predicts this alteration to have minor impact on molecular function, with a score of 0.010 (Terui H et al. J. Biomed. Sci. 2013 Apr;20:25). Since supporting evidence is limited at this time, the clinical significance of this alteration remains unclear.

NM_000179.3(MSH6):c.2431C>A (p.Leu811Ile)

Gene: MSH6 (mutS homolog 6; plus strand). Cytogenetic location: 2p16.3.
Variant type: single nucleotide variant.
Coding change: c.2431C>A on transcript NM_000179.3 (MANE Select); coding-DNA position 2431, C replaced by A.
Protein change: p.Leu811Ile; replaces leucine 811 with isoleucine.
Molecular consequence: missense variant.
Genome position (GRCh38, 1-based): chr2:47,800,414, C>A. VCF-style: chr2-47800414-C-A. GRCh37 (hg19) VCF-style: chr2-48027553-C-A.
Other names: c.2041C>A, p.Leu681Ile (NM_001281492.2); c.1525C>A, p.Leu509Ile (NM_001281493.2, NM_001281494.2); short protein forms L509I, L681I, L811I.
Identifiers: ClinVar variation 1497344 (VCV001497344.10), dbSNP rs1669463455, ClinGen allele CA346754030.